The following is an entry in ClinVar:

ClinVar aggregate classification (germline): Pathogenic (1 of 4 stars; one submission).

Conditions:
Fanconi anemia (FA). Also called: Fanconi's anemia. Identifiers: Orphanet 84, MedGen C0015625, MeSH D005199, MONDO:0019391.

Submission:

Labcorp Genetics (formerly Invitae), Labcorp
Classification: Pathogenic for Fanconi anemia. Last evaluated: 2025-06-19. Review status: criteria provided, single submitter. Criteria: Invitae Variant Classification Sherloc (09022015). Collection method: clinical testing. Allele origin: germline.
Comment: This sequence change creates a premature translational stop signal (p.Ala416Aspfs*36) in the SLX4 gene. It is expected to result in an absent or disrupted protein product. Loss-of-function variants in SLX4 are known to be pathogenic (PMID: 21240277). This variant is not present in population databases (gnomAD no frequency). This variant has not been reported in the literature in individuals affected with SLX4-related conditions. For these reasons, this variant has been classified as Pathogenic.

Literature cited by the submitters: PubMed 21240277.

NM_032444.4(SLX4):c.1247del (p.Ala416fs)

Gene: SLX4 (SLX4 structure-specific endonuclease subunit; minus strand). Cytogenetic location: 16p13.3.
Variant type: Deletion.
Coding change: c.1247del on transcript NM_032444.4 (MANE Select); coding-DNA position 1247, one base deleted (C; older notation c.1247delC).
Protein change: p.Ala416fs; shifts the reading frame from alanine 416.
Molecular consequence: frameshift variant.
Genome position (GRCh38, 1-based): chr16:3,597,916, G deleted on the plus strand (C on the coding strand, the reverse complement: SLX4 is on the minus strand). VCF-style (leftmost placement, unchanged base first): chr16-3597915-TG-T. GRCh37 (hg19) VCF-style: chr16-3647916-TG-T.
Other names: short protein forms A416fs.
Identifiers: ClinVar variation 4767786 (VCV004767786.1).